The following is an entry in ClinVar:

NM_005633.4(SOS1):c.1466G>A (p.Arg489His)

Gene: SOS1 (SOS Ras/Rac guanine nucleotide exchange factor 1; minus strand). Cytogenetic location: 2p22.1.
Variant type: single nucleotide variant.
Coding change: c.1466G>A on transcript NM_005633.4 (MANE Select); coding-DNA position 1466, G replaced by A.
Protein change: p.Arg489His; replaces arginine 489 with histidine.
Molecular consequence: missense variant.
Genome position (GRCh38, 1-based): chr2:39,022,962, C>T on the plus strand (G>A on the coding strand, the complement: SOS1 is on the minus strand). VCF-style: chr2-39022962-C-T. GRCh37 (hg19) VCF-style: chr2-39250103-C-T.
Other names: c.1466G>A (NM_005633.3); c.1445G>A, p.Arg482His (NM_001382394.1); c.1466G>A, p.Arg489His (NM_001382395.1); short protein forms R489H, R482H.
Identifiers: ClinVar variation 1419167 (VCV001419167.9), dbSNP rs994463655, ClinGen allele CA45674720.

ClinVar aggregate classification (germline): Uncertain significance. Review status: criteria provided, multiple submitters, no conflicts (2 of 4 stars). 2 submissions from 2 submitters: Uncertain significance (2). Last evaluated 2024-03-16.

Conditions:
Cardiovascular phenotype. Identifiers: MedGen CN230736.
RASopathy. Also called: rasopathies; Noonan spectrum disorder. Identifiers: Orphanet 536391, MedGen C5555857, MONDO:0021060.

Allele frequency attached by ClinVar (database versions not stated): gnomAD exomes below 0.00001; TOPMed 0.00001.
gnomAD v4.1: 1 of 1,613,746 alleles (0.000062%); highest among the groups gnomAD compares: Non-Finnish European, 0.000085%; no homozygotes.

Submissions (2):

Labcorp Genetics (formerly Invitae), Labcorp
Classification: Uncertain significance for RASopathy. Last evaluated: 2024-03-16. Review status: criteria provided, single submitter. Criteria: Invitae Variant Classification Sherloc (09022015). Collection method: clinical testing. Allele origin: germline.
Comment: This sequence change replaces arginine, which is basic and polar, with histidine, which is basic and polar, at codon 489 of the SOS1 protein (p.Arg489His). This variant is not present in population databases (gnomAD no frequency). This variant has not been reported in the literature in individuals affected with SOS1-related conditions. ClinVar contains an entry for this variant (Variation ID: 1419167). Advanced modeling of protein sequence and biophysical properties (such as structural, functional, and spatial information, amino acid conservation, physicochemical variation, residue mobility, and thermodynamic stability) performed at Invitae indicates that this missense variant is expected to disrupt SOS1 protein function with a positive predictive value of 95%. In summary, the available evidence is currently insufficient to determine the role of this variant in disease. Therefore, it has been classified as a Variant of Uncertain Significance.

Ambry Genetics
Classification: Uncertain significance for Cardiovascular phenotype. Last evaluated: 2023-01-20. Review status: criteria provided, single submitter. Criteria: Ambry Variant Classification Scheme 2023. Collection method: clinical testing. Allele origin: germline.
Comment: The p.R489H variant (also known as c.1466G>A), located in coding exon 10 of the SOS1 gene, results from a G to A substitution at nucleotide position 1466. The arginine at codon 489 is replaced by histidine, an amino acid with highly similar properties. This amino acid position is highly conserved in available vertebrate species. In addition, this alteration is predicted to be deleterious by in silico analysis. Since supporting evidence is limited at this time, the clinical significance of this alteration remains unclear.

Literature cited by the submitters: PubMed 29146900 (cited by Ambry Genetics).